The following is an entry in ClinVar:

ClinVar aggregate classification (germline): Benign. Review status: criteria provided, single submitter (1 of 4 stars). 2 submissions from 1 submitter: Benign (2). Last evaluated 2018-01-13.

Conditions:
Hypophosphatemic rickets, autosomal recessive, 2 (ARHR2). Identifiers: Orphanet 289176, MedGen C2750078, MONDO:0013219, OMIM 613312.
Arterial calcification, generalized, of infancy, 1 (GACI1). Also called: Idiopathic Infantile Arterial Calcification. Identifiers: Orphanet 51608, MedGen C4551985, MONDO:0008817, OMIM 208000.

Allele frequency attached by ClinVar (database versions not stated): gnomAD exomes 0.01515; gnomAD 0.02399 and 0.02409; 1000 Genomes Project 30x 0.02452; 1000 Genomes Project 0.02456; TOPMed 0.02571.
gnomAD v4.1: 3,636 of 151,334 alleles (2.4%); highest among the groups gnomAD compares: Middle Eastern, 6.5%; 59 homozygotes.

Submissions (2):

Illumina Laboratory Services, Illumina
Classification: Benign for Hypophosphatemic rickets, autosomal recessive, 2. Last evaluated: 2018-01-13. Review status: criteria provided, single submitter. Criteria: ICSL Variant Classification Criteria 13 December 2019. Collection method: clinical testing. Allele origin: germline.
Comment: This variant was observed in the ICSL laboratory as part of a predisposition screen in an ostensibly healthy population. It had not been previously curated by ICSL or reported in the Human Gene Mutation Database (HGMD: prior to June 1st, 2018), and was therefore a candidate for classification through an automated scoring system. Utilizing variant allele frequency, disease prevalence and penetrance estimates, and inheritance mode, an automated score was calculated to assess if this variant is too frequent to cause the disease. Based on the score and internal cut-off values, a variant classified as benign is not then subjected to further curation. The score for this variant resulted in a classification of benign for this disease.

Illumina Laboratory Services, Illumina
Classification: Benign for Arterial calcification, generalized, of infancy, 1. Last evaluated: 2018-01-13. Review status: criteria provided, single submitter. Criteria: ICSL Variant Classification Criteria 13 December 2019. Collection method: clinical testing. Allele origin: germline.
Comment: the same text as in the submission from Illumina Laboratory Services, Illumina above.

NM_006208.3(ENPP1):c.*3625G>A

Gene: ENPP1 (ectonucleotide pyrophosphatase/phosphodiesterase 1; plus strand). Cytogenetic location: 6q23.2.
Variant type: single nucleotide variant.
Coding change: c.*3625G>A on transcript NM_006208.3 (MANE Select); 3625 bases downstream of the stop codon, G replaced by A.
Molecular consequence: 3 prime UTR variant.
Genome position (GRCh38, 1-based): chr6:131,894,136, G>A. VCF-style: chr6-131894136-G-A. GRCh37 (hg19) VCF-style: chr6-132215276-G-A.
Identifiers: ClinVar variation 355422 (VCV000355422.5), dbSNP rs150482147, ClinGen allele CA10621448.
Genomic context (GRCh38, chr6:131,894,136, plus strand): 5'-CCCGAGTAACTGGGACTACAGGCACCTGCCGTCACGCCTGGCTAATTTTTTGTATTTTTA[G>A]TAGAGAATGGAGTTTCACCGTGTTAGCCAGGATGGTCTCGATCTCCTGACCTTGTGATCT-3'